The following is an entry in ClinVar:

NM_000417.3(IL2RA):c.193A>G (p.Met65Val)

Gene: IL2RA (interleukin 2 receptor subunit alpha; minus strand). Cytogenetic location: 10p15.1.
Variant type: single nucleotide variant.
Coding change: c.193A>G on transcript NM_000417.3 (MANE Select); coding-DNA position 193, A replaced by G.
Protein change: p.Met65Val; replaces methionine 65 with valine.
Molecular consequence: missense variant.
Genome position (GRCh38, 1-based): chr10:6,025,897, T>C on the plus strand (A>G on the coding strand, the complement: IL2RA is on the minus strand). VCF-style: chr10-6025897-T-C. GRCh37 (hg19) VCF-style: chr10-6067860-T-C.
Other names: c.193A>G, p.Met65Val (NM_001308242.2, NM_001308243.2); short protein forms M65V.
Identifiers: ClinVar variation 534229 (VCV000534229.8), dbSNP rs372359952, ClinGen allele CA202296622.
Genomic context (GRCh38, chr10:6,025,897, plus strand): 5'-AGCTTGTGCATTGACATTGGTTGTCCCAGGACGAGTGGCTAGAGTTTCCTGTACAGAGCA[T>C]ATAGAGTGACCCGCTTTTTATTCTGCGGAAACCTCTCTTGCATTCACAGTTCAACATGGT-3'
Protein context (NP_000408.1, residues 55-75): FRRIKSGSLY[Met65Val]LCTGNSSHSS

ClinVar aggregate classification (germline): Uncertain significance. Review status: criteria provided, multiple submitters, no conflicts (2 of 4 stars). 2 submissions from 2 submitters: Uncertain significance (2). Last evaluated 2025-12-03.

Conditions:
Immunodeficiency due to CD25 deficiency. Also called: CD25 DEFICIENCY; IL2RA DEFICIENCY; IMMUNODEFICIENCY 41 WITH LYMPHOPROLIFERATION AND AUTOIMMUNITY. Identifiers: Orphanet 169100, MedGen C1853392, MONDO:0011664, OMIM 606367.

Allele frequency attached by ClinVar (database versions not stated): gnomAD exomes below 0.00001; TOPMed 0.00001.
gnomAD v4.1: 10 of 1,614,216 alleles (0.00062%); highest among the groups gnomAD compares: East Asian, 0.0022%; no homozygotes.

Submissions (2):

Labcorp Genetics (formerly Invitae), Labcorp
Classification: Uncertain significance for Immunodeficiency due to CD25 deficiency. Last evaluated: 2025-12-03. Review status: criteria provided, single submitter. Criteria: Invitae Variant Classification Sherloc (09022015). Collection method: clinical testing. Allele origin: germline.
Comment: This sequence change replaces methionine, which is neutral and non-polar, with valine, which is neutral and non-polar, at codon 65 of the IL2RA protein (p.Met65Val). This variant is not present in population databases (gnomAD no frequency). This variant has not been reported in the literature in individuals affected with IL2RA-related conditions. ClinVar contains an entry for this variant (Variation ID: 534229). Invitae Evidence Modeling of protein sequence and biophysical properties (such as structural, functional, and spatial information, amino acid conservation, physicochemical variation, residue mobility, and thermodynamic stability) indicates that this missense variant is not expected to disrupt IL2RA protein function with a negative predictive value of 80%. In summary, the available evidence is currently insufficient to determine the role of this variant in disease. Therefore, it has been classified as a Variant of Uncertain Significance.

Ambry Genetics
Classification: Uncertain significance. Last evaluated: 2022-03-31. Review status: criteria provided, single submitter. Criteria: Ambry Variant Classification Scheme 2023. Collection method: clinical testing. Allele origin: germline.